The following is an entry in ClinVar:

NM_001330700.2(TOP2B):c.4231G>C (p.Val1411Leu)

Gene: TOP2B (DNA topoisomerase II beta; minus strand). Cytogenetic location: 3p24.2.
Variant type: single nucleotide variant.
Coding change: c.4231G>C on transcript NM_001330700.2 (MANE Select); coding-DNA position 4231, G replaced by C.
Protein change: p.Val1411Leu; replaces valine 1411 with leucine.
Molecular consequence: missense variant.
Genome position (GRCh38, 1-based): chr3:25,607,238, C>G on the plus strand (G>C on the coding strand, the complement: TOP2B is on the minus strand). VCF-style: chr3-25607238-C-G. GRCh37 (hg19) VCF-style: chr3-25648729-C-G.
Other names: c.4216G>C, p.Val1406Leu (NM_001068.3); short protein forms V1406L, V1411L.
Identifiers: ClinVar variation 4598066 (VCV004598066.2).
Genomic context (GRCh38, chr3:25,607,238, plus strand): 5'-TGGCTTTTGATTTGCCTGGTGAAAATGTATATTCATCTTTATCTAACCCATCTGAAGGAA[C>G]AAATTCATCTTCCCCATCATTTGTTATGGGAGATGCTTTAACTTTCAATTCCTCTAAATC-3'
Protein context (NP_001317629.1, residues 1401-1421): PITNDGEDEF[Val1411Leu]PSDGLDKDEY

ClinVar aggregate classification (germline): Uncertain significance. Review status: criteria provided, multiple submitters, no conflicts (2 of 4 stars). 2 submissions from 2 submitters: Uncertain significance (2). Last evaluated 2025-12-20.

gnomAD v4.1: 10 of 1,606,830 alleles (0.00062%); highest among the groups gnomAD compares: African/African-American, 0.011%; no homozygotes.

Submissions (2):

Labcorp Genetics (formerly Invitae), Labcorp
Classification: Uncertain significance. Last evaluated: 2025-12-20. Review status: criteria provided, single submitter. Criteria: Invitae Variant Classification Sherloc (09022015). Collection method: clinical testing. Allele origin: germline.
Comment: This sequence change replaces valine, which is neutral and non-polar, with leucine, which is neutral and non-polar, at codon 1406 of the TOP2B protein (p.Val1406Leu). This variant is present in population databases (no rsID available, gnomAD 0.02%). This variant has not been reported in the literature in individuals affected with TOP2B-related conditions. An algorithm developed to predict the effect of missense changes on protein structure and function (PolyPhen-2) suggests that this variant is likely to be tolerated. In summary, the available evidence is currently insufficient to determine the role of this variant in disease. Therefore, it has been classified as a Variant of Uncertain Significance.

Ambry Genetics
Classification: Uncertain significance. Last evaluated: 2025-11-03. Review status: criteria provided, single submitter. Criteria: Ambry Variant Classification Scheme 2023. Collection method: clinical testing. Allele origin: germline.